The following is an entry in ClinVar:

ClinVar aggregate classification (germline): Benign (1 of 4 stars; one submission).

Allele frequency attached by ClinVar (database versions not stated): 1000 Genomes Project 0.24062; 1000 Genomes Project 30x 0.24453; TOPMed 0.29633; gnomAD 0.30427 and 0.30700.
gnomAD v4.1: 46,376 of 152,016 alleles (31%); highest among the groups gnomAD compares: Non-Finnish European, 37%; 7,537 homozygotes.

Submission:

GeneDx
Classification: Benign. Last evaluated: 2018-06-14. Review status: criteria provided, single submitter. Criteria: GeneDx Variant Classification (06012015). Collection method: clinical testing. Allele origin: germline. Affected: yes.
Comment: This variant is considered likely benign or benign based on one or more of the following criteria: it is a conservative change, it occurs at a poorly conserved position in the protein, it is predicted to be benign by multiple in silico algorithms, and/or has population frequency not consistent with disease.

NM_001291303.3(FAT4):c.-13+109A>G

Gene: FAT4 (FAT atypical cadherin 4; plus strand). Cytogenetic location: 4q28.1.
Variant type: single nucleotide variant.
Coding change: c.-13+109A>G on transcript NM_001291303.3 (MANE Select); 109 bases into the intron after 13 bases upstream of the start codon, A replaced by G.
Molecular consequence: intron variant.
Genome position (GRCh38, 1-based): chr4:125,316,086, A>G. VCF-style: chr4-125316086-A-G. GRCh37 (hg19) VCF-style: chr4-126237241-A-G.
Other names: c.-13+109A>G (NM_001291285.3, NM_024582.6).
Identifiers: ClinVar variation 669952 (VCV000669952.1), dbSNP rs7677005, ClinGen allele CA11700197.